The following is an entry in ClinVar:

NM_052947.4(ALPK2):c.2574G>T (p.Lys858Asn)

Gene: ALPK2 (alpha kinase 2; minus strand). Cytogenetic location: 18q21.31.
Variant type: single nucleotide variant.
Coding change: c.2574G>T on transcript NM_052947.4 (MANE Select); coding-DNA position 2574, G replaced by T.
Protein change: p.Lys858Asn; replaces lysine 858 with asparagine.
Molecular consequence: missense variant.
Genome position (GRCh38, 1-based): chr18:58,537,613, C>A on the plus strand (G>T on the coding strand, the complement: ALPK2 is on the minus strand). VCF-style: chr18-58537613-C-A. GRCh37 (hg19) VCF-style: chr18-56204845-C-A.
Other names: short protein forms K858N.
Identifiers: ClinVar variation 1793293 (VCV001793293.2), dbSNP rs2518877505, ClinGen allele CA402570236.

ClinVar aggregate classification (germline): Uncertain significance (1 of 4 stars; one submission).

Submission:

Ambry Genetics
Classification: Uncertain significance. Last evaluated: 2021-12-11. Review status: criteria provided, single submitter. Criteria: Ambry Variant Classification Scheme 2023. Collection method: clinical testing. Allele origin: germline.
Comment: The p.K858N variant (also known as c.2574G>T), located in coding exon 4 of the ALPK2 gene, results from a G to T substitution at nucleotide position 2574. The lysine at codon 858 is replaced by asparagine, an amino acid with similar properties. This amino acid position is conserved. In addition, this alteration is predicted to be tolerated by in silico analysis. Since supporting evidence is limited at this time, the clinical significance of this alteration remains unclear.